The following is an entry in ClinVar:

ClinVar aggregate classification (germline): Benign (0 of 4 stars; one submission).

Conditions:
TNS1-related disorder. Also called: TNS1-related condition.

Allele frequency attached by ClinVar (database versions not stated): ESP Exome Variant Server 0.01115; TOPMed 0.01188; 1000 Genomes Project 30x 0.01468; 1000 Genomes Project 0.01538.
gnomAD v4.1: 29,027 of 1,614,198 alleles (1.8%); highest among the groups gnomAD compares: South Asian, 4.1%; 378 homozygotes.

Submission:

PreventionGenetics, part of Exact Sciences
Classification: Benign for TNS1-related condition. Last evaluated: 2019-02-21. Review status: no assertion criteria provided. Collection method: clinical testing. Allele origin: germline.
Comment: This variant is classified as benign based on ACMG/AMP sequence variant interpretation guidelines (Richards et al. 2015 PMID: 25741868, with internal and published modifications).

NM_001387777.1(TNS1):c.1771C>T (p.Arg591Cys)

Gene: TNS1 (tensin 1; minus strand). Cytogenetic location: 2q35.
Variant type: single nucleotide variant.
Coding change: c.1771C>T on transcript NM_001387777.1 (MANE Select); coding-DNA position 1771, C replaced by T.
Protein change: p.Arg591Cys; replaces arginine 591 with cysteine.
Molecular consequence: missense variant.
Genome position (GRCh38, 1-based): chr2:217,848,746, G>A on the plus strand (C>T on the coding strand, the complement: TNS1 is on the minus strand). VCF-style: chr2-217848746-G-A. GRCh37 (hg19) VCF-style: chr2-218713469-G-A.
Other names: c.1396C>T, p.Arg466Cys (NM_001308022.2, NM_001308023.2, NM_022648.7); short protein forms R466C, R591C.
Identifiers: ClinVar variation 3055946 (VCV003055946.2), dbSNP rs3815849, ClinGen allele CA2100402.
Genomic context (GRCh38, chr2:217,848,746, plus strand): 5'-GAACCTGGGCTGGGACAACGTGGCGTCCAGAGGAGGGCACAGCCGAGCCCCCTGCTGGGC[G>A]GGACCTGAGGTGCTGGGTGTGGTACATGGCGCCTTGCTTCTCTCGCTCTAAGCCAAAGCC-3'
Protein context (NP_001374706.1, residues 581-601): AMYHTQHLRS[Arg591Cys]PAGGSAVPSS